The following is an entry in ClinVar:

ClinVar aggregate classification (germline): Uncertain significance (1 of 4 stars; one submission).

Conditions:
Epidermolysis bullosa simplex 5C, with pyloric atresia (EBS5C). Also called: PLEC-Related Epidermolysis Bullosa with Pyloric Atresia; Epidermolysis bullosa simplex with pyloric atresia; PLEC1-Related Epidermolysis Bullosa with Pyloric Atresia. Identifiers: Orphanet 158684, MedGen C2677349, MONDO:0012807, OMIM 612138.
Epidermolysis bullosa simplex 5B, with muscular dystrophy (EBS5B). Also called: EPIDERMOLYSIS BULLOSA SIMPLEX AND LIMB-GIRDLE MUSCULAR DYSTROPHY; Epidermolysis bullosa simplex with muscular dystrophy. Identifiers: Orphanet 257, MedGen C2931072, MONDO:0009181, OMIM 226670.
Epidermolysis bullosa simplex, Ogna type (EBS5A). Also called: Pidermolysis bullosa simplex 5A, Ogna type; EPIDERMOLYSIS BULLOSA SIMPLEX 5A, OGNA TYPE. Identifiers: Orphanet 79401, MedGen C0432317, MONDO:0007555, OMIM 131950.
Autosomal recessive limb-girdle muscular dystrophy type 2Q (LGMDR17). Also called: MUSCULAR DYSTROPHY, LIMB-GIRDLE, AUTOSOMAL RECESSIVE 17. Identifiers: Orphanet 254361, MedGen C3150989, MONDO:0013390, OMIM 613723.
Epidermolysis bullosa simplex with nail dystrophy (EBS5D). Identifiers: MedGen C4225309, MONDO:0014661, OMIM 616487.

gnomAD v4.1: 2 of 1,611,022 alleles (0.00012%); highest among the groups gnomAD compares: Non-Finnish European, 0.00017%; no homozygotes.

Submission:

Labcorp Genetics (formerly Invitae), Labcorp
Classification: Uncertain significance for Autosomal recessive limb-girdle muscular dystrophy type 2Q; Epidermolysis bullosa simplex, Ogna type; Epidermolysis bullosa simplex with nail dystrophy; Epidermolysis bullosa simplex 5C, with pyloric atresia; Epidermolysis bullosa simplex 5B, with muscular dystrophy. Last evaluated: 2021-01-28. Review status: criteria provided, single submitter. Criteria: Invitae Variant Classification Sherloc (09022015). Collection method: clinical testing. Allele origin: germline.
Comment: This sequence change replaces arginine with proline at codon 2425 of the PLEC protein (p.Arg2425Pro). The arginine residue is moderately conserved and there is a moderate physicochemical difference between arginine and proline. This variant is not present in population databases (ExAC no frequency). This variant has not been reported in the literature in individuals with PLEC-related conditions. Algorithms developed to predict the effect of missense changes on protein structure and function (SIFT, PolyPhen-2, Align-GVGD) all suggest that this variant is likely to be disruptive, but these predictions have not been confirmed by published functional studies and their clinical significance is uncertain. In summary, the available evidence is currently insufficient to determine the role of this variant in disease. Therefore, it has been classified as a Variant of Uncertain Significance.

NM_201384.3(PLEC):c.7193G>C (p.Arg2398Pro)

Gene: PLEC (plectin; minus strand). Cytogenetic location: 8q24.3.
Variant type: single nucleotide variant.
Coding change: c.7193G>C on transcript NM_201384.3 (MANE Select); coding-DNA position 7193, G replaced by C.
Protein change: p.Arg2398Pro; replaces arginine 2398 with proline.
Molecular consequence: missense variant.
Genome position (GRCh38, 1-based): chr8:143,922,736, C>G on the plus strand (G>C on the coding strand, the complement: PLEC is on the minus strand). VCF-style: chr8-143922736-C-G. GRCh37 (hg19) VCF-style: chr8-144996904-C-G.
Other names: c.7274G>C, p.Arg2425Pro (NM_000445.5); c.7151G>C, p.Arg2384Pro (NM_201378.4); c.7127G>C, p.Arg2376Pro (NM_201379.3); c.7604G>C, p.Arg2535Pro (NM_201380.4); c.7097G>C, p.Arg2366Pro (NM_201381.3); c.7193G>C, p.Arg2398Pro (NM_201382.4); c.7205G>C, p.Arg2402Pro (NM_201383.3); short protein forms R2398P, R2366P, R2376P, R2425P, R2384P, R2402P, R2535P.
Identifiers: ClinVar variation 1367475 (VCV001367475.8), dbSNP rs368343687, ClinGen allele CA372529110.
Genomic context (GRCh38, chr8:143,922,736, plus strand): 5'-TGCAGCTTCTCACCGATCTCCTCCGCCTGCTTCCGGAAGCGCTGGGCGTCCTCCTCAGCG[C>G]GGGCCTGGGCTCGGCTCATCTCGGCCACACGCAGCTTGAGGCGCTCAGCCTCAGCGCTCA-3'
Protein context (NP_958786.1, residues 2388-2408): RVAEMSRAQA[Arg2398Pro]AEEDAQRFRK